The following is an entry in ClinVar:

ClinVar aggregate classification (germline): Uncertain significance (1 of 4 stars; one submission).

Conditions:
Mitochondrial DNA depletion syndrome, encephalomyopathic form with methylmalonic aciduria (MTDPS5). Also called: SUCLA2-Related Mitochondrial DNA Depletion Syndrome, Encephalomyopathic Form with Methylmalonic Aciduria; Mitochondrial encephalomyopathy aminoacidopathy; MITOCHONDRIAL DNA DEPLETION SYNDROME, ENCEPHALOMYOPATHIC FORM, WITH OR WITHOUT METHYLMALONIC ACIDURIA, AUTOSOMAL RECESSIVE, SUCLA2-RELATED; Mitochondrial DNA depletion syndrome 5 (encephalomyopathic with or without methylmalonic aciduria). Identifiers: Orphanet 1933, MedGen C5980207, MONDO:0012791, OMIM 612073.

Submission:

Labcorp Genetics (formerly Invitae), Labcorp
Classification: Uncertain significance for Mitochondrial DNA depletion syndrome, encephalomyopathic form with methylmalonic aciduria. Last evaluated: 2024-09-05. Review status: criteria provided, single submitter. Criteria: Invitae Variant Classification Sherloc (09022015). Collection method: clinical testing. Allele origin: germline.
Comment: This sequence change replaces methionine, which is neutral and non-polar, with isoleucine, which is neutral and non-polar, at codon 240 of the SUCLA2 protein (p.Met240Ile). This variant is not present in population databases (gnomAD no frequency). This variant has not been reported in the literature in individuals affected with SUCLA2-related conditions. ClinVar contains an entry for this variant (Variation ID: 1961549). Invitae Evidence Modeling of protein sequence and biophysical properties (such as structural, functional, and spatial information, amino acid conservation, physicochemical variation, residue mobility, and thermodynamic stability) indicates that this missense variant is not expected to disrupt SUCLA2 protein function with a negative predictive value of 80%. In summary, the available evidence is currently insufficient to determine the role of this variant in disease. Therefore, it has been classified as a Variant of Uncertain Significance.

NM_003850.3(SUCLA2):c.720G>A (p.Met240Ile)

Gene: SUCLA2 (succinate-CoA ligase ADP-forming subunit beta; minus strand). Cytogenetic location: 13q14.2.
Variant type: single nucleotide variant.
Coding change: c.720G>A on transcript NM_003850.3 (MANE Select); coding-DNA position 720, G replaced by A.
Protein change: p.Met240Ile; replaces methionine 240 with isoleucine.
Molecular consequence: missense variant.
Genome position (GRCh38, 1-based): chr13:47,968,677, C>T on the plus strand (G>A on the coding strand, the complement: SUCLA2 is on the minus strand). VCF-style: chr13-47968677-C-T. GRCh37 (hg19) VCF-style: chr13-48542812-C-T.
Other names: short protein forms M240I.
Identifiers: ClinVar variation 1961549 (VCV001961549.4), dbSNP rs2541687813, ClinGen allele CA388149216.